The following is an entry in ClinVar:

ClinVar aggregate classification (germline): Uncertain significance (1 of 4 stars; one submission).

Conditions:
Emery-Dreifuss muscular dystrophy 5, autosomal dominant (EDMD5). Also called: EMERY-DREIFUSS MUSCULAR DYSTROPHY 5. Identifiers: Orphanet 261, MedGen C2751805, MONDO:0013072, OMIM 612999.

Allele frequency attached by ClinVar (database versions not stated): gnomAD exomes below 0.00001; TOPMed 0.00001.
gnomAD v4.1: 2 of 1,614,144 alleles (0.00012%); highest among the groups gnomAD compares: Non-Finnish European, 0.00017%; no homozygotes.

Submission:

Labcorp Genetics (formerly Invitae), Labcorp
Classification: Uncertain significance for Emery-Dreifuss muscular dystrophy 5, autosomal dominant. Last evaluated: 2022-09-27. Review status: criteria provided, single submitter. Criteria: Invitae Variant Classification Sherloc (09022015). Collection method: clinical testing. Allele origin: germline.
Comment: This variant is not present in population databases (gnomAD no frequency). This variant has not been reported in the literature in individuals affected with SYNE2-related conditions. ClinVar contains an entry for this variant (Variation ID: 1428536). Algorithms developed to predict the effect of sequence changes on RNA splicing suggest that this variant may disrupt the consensus splice site. In summary, the available evidence is currently insufficient to determine the role of this variant in disease. Therefore, it has been classified as a Variant of Uncertain Significance. This sequence change affects a donor splice site in intron 92 of the SYNE2 gene. It is expected to disrupt RNA splicing. Variants that disrupt the donor or acceptor splice site typically lead to a loss of protein function (PMID: 16199547), however the current clinical and genetic evidence is not sufficient to establish whether loss-of-function variants in SYNE2 cause disease.

Literature cited by the submitters: PubMed 16199547.

NM_182914.3(SYNE2):c.16905+2T>A

Gene: SYNE2 (spectrin repeat containing nuclear envelope protein 2; plus strand). Cytogenetic location: 14q23.2.
Variant type: single nucleotide variant.
Coding change: c.16905+2T>A on transcript NM_182914.3 (MANE Select); the canonical splice donor site of the intron after coding-DNA position 16905, T replaced by A.
Molecular consequence: splice donor variant.
Genome position (GRCh38, 1-based): chr14:64,167,641, T>A. VCF-style: chr14-64167641-T-A. GRCh37 (hg19) VCF-style: chr14-64634359-T-A.
Other names: c.16905+2T>A (NM_015180.6).
Identifiers: ClinVar variation 1428536 (VCV001428536.6), dbSNP rs2098387803, ClinGen allele CA389968467.